The following is an entry in ClinVar:

NM_001366722.1(GRIP1):c.2283G>A (p.Ser761=)

Gene: GRIP1 (glutamate receptor interacting protein 1; minus strand). Cytogenetic location: 12q14.3.
Variant type: single nucleotide variant.
Coding change: c.2283G>A on transcript NM_001366722.1 (MANE Select); coding-DNA position 2283, G replaced by A.
Protein change: p.Ser761=; no amino-acid change (serine 761 retained).
Molecular consequence: synonymous variant.
Genome position (GRCh38, 1-based): chr12:66,392,489, C>T on the plus strand (G>A on the coding strand, the complement: GRIP1 is on the minus strand). VCF-style: chr12-66392489-C-T. GRCh37 (hg19) VCF-style: chr12-66786269-C-T.
Other names: c.2127G>A, p.Ser709= (NM_001178074.2, NM_021150.4); c.2202G>A, p.Ser734= (NM_001366723.1); c.2205G>A, p.Ser735= (NM_001366724.1).
Identifiers: ClinVar variation 310304 (VCV000310304.52), dbSNP rs200863167, ClinGen allele CA6674161.

ClinVar aggregate classification (germline): Benign/Likely benign. Review status: criteria provided, multiple submitters, no conflicts (2 of 4 stars). 9 submissions from 9 submitters: Benign (1); Likely benign (5). 3 of the submissions do not count toward it. Last evaluated 2026-01-29.

Conditions:
Fraser syndrome 3. Identifiers: MedGen C4540040, MONDO:0054739, OMIM 617667.
GRIP1-related disorder. Also called: GRIP1-related condition.

Allele frequency attached by ClinVar (database versions not stated): 1000 Genomes Project 0.00020; 1000 Genomes Project 30x 0.00031; gnomAD 0.00168 and 0.00169; gnomAD exomes 0.00168 and 0.00257; TOPMed 0.00197; ESP Exome Variant Server 0.00215; ExAC 0.00238.
gnomAD v4.1: 2,837 of 1,613,860 alleles (0.18%); highest among the groups gnomAD compares: Middle Eastern, 1.8%; 16 homozygotes.

Submissions (9):

Labcorp Genetics (formerly Invitae), Labcorp
Classification: Benign. Last evaluated: 2026-01-29. Review status: criteria provided, single submitter. Criteria: Invitae Variant Classification Sherloc (09022015). Collection method: clinical testing. Allele origin: germline.

CeGaT Center for Human Genetics Tuebingen
Classification: Likely benign. Last evaluated: 2026-01-01. Review status: criteria provided, single submitter. Criteria: CeGaT Center For Human Genetics Tuebingen Variant Classification Criteria Version 2. Collection method: clinical testing. Allele origin: germline. Affected: yes. Observed: 3 variant alleles.
Comment: GRIP1: BP4, BP7

Blueprint Genetics
Classification: Likely benign. Last evaluated: 2024-11-26. Review status: criteria provided, single submitter. Criteria: ACMG Guidelines, 2015. Collection method: clinical testing. Allele origin: germline.

Fulgent Genetics
Classification: Likely benign for Fraser syndrome 3. Last evaluated: 2021-07-27. Review status: criteria provided, single submitter. Criteria: ACMG Guidelines, 2015. Collection method: clinical testing. Allele origin: unknown.

Illumina Laboratory Services, Illumina
Classification: Likely benign for Fraser syndrome 3. Last evaluated: 2018-01-13. Review status: criteria provided, single submitter. Criteria: ICSL Variant Classification Criteria 13 December 2019. Collection method: clinical testing. Allele origin: germline.
Comment: This variant was observed in the ICSL laboratory as part of a predisposition screen in an ostensibly healthy population. It had not been previously curated by ICSL or reported in the Human Gene Mutation Database (HGMD: prior to June 1st, 2018), and was therefore a candidate for classification through an automated scoring system. Utilizing variant allele frequency, disease prevalence and penetrance estimates, and inheritance mode, an automated score was calculated to assess if this variant is too frequent to cause the disease. Based on the score and internal cut-off values, a variant classified as likely benign is not then subjected to further curation. The score for this variant resulted in a classification of likely benign for this disease.

Breakthrough Genomics
Classification: Likely benign. Review status: criteria provided, single submitter. Criteria: ACMG Guidelines, 2015. Collection method: not provided. Allele origin: germline. Inheritance: Autosomal recessive inheritance. Affected: yes.

PreventionGenetics, part of Exact Sciences
Classification: Benign for GRIP1-related condition. Last evaluated: 2021-06-17. Review status: no assertion criteria provided. Collection method: clinical testing. Allele origin: germline. Not counted in ClinVar's aggregate classification.
Comment: This variant is classified as benign based on ACMG/AMP sequence variant interpretation guidelines (Richards et al. 2015 PMID: 25741868, with internal and published modifications).

Clinical Genetics DNA and cytogenetics Diagnostics Lab, Erasmus MC, Erasmus Medical Center
Classification: Likely benign. Review status: no assertion criteria provided. Collection method: clinical testing. Allele origin: germline. Affected: yes. Study: VKGL Data-share Consensus. Not counted in ClinVar's aggregate classification.

Genome Diagnostics Laboratory, University Medical Center Utrecht
Classification: Likely benign. Review status: no assertion criteria provided. Collection method: clinical testing. Allele origin: germline. Affected: yes. Study: VKGL Data-share Consensus. Not counted in ClinVar's aggregate classification.